The following is an entry in ClinVar:

ClinVar aggregate classification (germline): Pathogenic. Review status: reviewed by expert panel (3 of 4 stars). 2 submissions from 2 submitters: Pathogenic (1). 1 of the submissions does not count toward it. Last evaluated 2017-12-15.

Conditions:
Breast-ovarian cancer, familial, susceptibility to, 2 (BROVCA2). Also called: BRCA2 Hereditary Breast and Ovarian Cancer. Identifiers: Orphanet 145, MedGen C2675520, MONDO:0012933, OMIM 612555. Disease mechanism: loss of function.
Familial cancer of breast. Also called: BREAST CANCER, FAMILIAL; Hereditary breast cancer; hereditary breast carcinoma. Identifiers: Orphanet 227535, MedGen C0346153, MONDO:0016419, OMIM 114480. Disease mechanism: loss of function.

Submissions (2):

Evidence-based Network for the Interpretation of Germline Mutant Alleles (ENIGMA)
Classification: Pathogenic for Breast-ovarian cancer, familial, susceptibility to, 2. Last evaluated: 2017-12-15. Review status: reviewed by expert panel. Criteria: ENIGMA BRCA1/2 Classification Criteria (2017-06-29). Collection method: curation. Allele origin: germline. Study: ENIGMA.
Comment: Variant allele predicted to encode a truncated non-functional protein.

ClinVar Staff, National Center for Biotechnology Information (NCBI)
No classification provided. Condition: Familial cancer of breast. Review status: no classification provided. Collection method: literature only. Allele origin: germline. Affected: yes. Not counted in ClinVar's aggregate classification.

Literature cited by the submitters: PubMed 8988179 (cited by ClinVar Staff, National Center for Biotechnology Information (NCBI)).

NM_000059.4(BRCA2):c.4097_4098insCATC (p.Lys1367fs)

Gene: BRCA2 (BRCA2 DNA repair associated; plus strand). Cytogenetic location: 13q13.1.
Variant type: Insertion.
Coding change: c.4097_4098insCATC on transcript NM_000059.4 (MANE Select); coding-DNA positions 4097 to 4098, CATC inserted.
Protein change: p.Lys1367fs; shifts the reading frame from lysine 1367.
Molecular consequence: frameshift variant.
Genome position: GRCh38 VCF-style: chr13-32338452-T-TCATC. GRCh37 (hg19) VCF-style: chr13-32912589-T-TCATC.
Other names: short protein forms K1367fs.
Identifiers: ClinVar variation 51595 (VCV000051595.3), dbSNP rs397507704, ClinGen allele CA019522.